The following is an entry in ClinVar:

NM_000057.4(BLM):c.4225T>C (p.Phe1409Leu)

Gene: BLM (BLM RecQ like helicase; plus strand). Cytogenetic location: 15q26.1.
Variant type: single nucleotide variant.
Coding change: c.4225T>C on transcript NM_000057.4 (MANE Select); coding-DNA position 4225, T replaced by C.
Protein change: p.Phe1409Leu; replaces phenylalanine 1409 with leucine.
Molecular consequence: missense variant.
Genome position (GRCh38, 1-based): chr15:90,815,250, T>C. VCF-style: chr15-90815250-T-C. GRCh37 (hg19) VCF-style: chr15-91358480-T-C.
Other names: c.4225T>C, p.Phe1409Leu (NM_001287246.2); c.3832T>C, p.Phe1278Leu (NM_001287247.2); c.3100T>C, p.Phe1034Leu (NM_001287248.2); short protein forms F1409L, F1034L, F1278L.
Identifiers: ClinVar variation 2051213 (VCV002051213.4), dbSNP rs2505575928, ClinGen allele CA393853174.

ClinVar aggregate classification (germline): Uncertain significance (1 of 4 stars; one submission).

Conditions:
Bloom syndrome (BLM). Also called: Bloom-Torre-Machacek syndrome. Identifiers: Orphanet 125, MedGen C0005859, MONDO:0008876, OMIM 210900.

Submission:

Labcorp Genetics (formerly Invitae), Labcorp
Classification: Uncertain significance for Bloom syndrome. Last evaluated: 2021-12-21. Review status: criteria provided, single submitter. Criteria: Invitae Variant Classification Sherloc (09022015). Collection method: clinical testing. Allele origin: germline.
Comment: In summary, the available evidence is currently insufficient to determine the role of this variant in disease. Therefore, it has been classified as a Variant of Uncertain Significance. Algorithms developed to predict the effect of missense changes on protein structure and function are either unavailable or do not agree on the potential impact of this missense change (SIFT: "Tolerated"; PolyPhen-2: "Probably Damaging"; Align-GVGD: "Class C0"). This variant has not been reported in the literature in individuals affected with BLM-related conditions. This variant is not present in population databases (gnomAD no frequency). This sequence change replaces phenylalanine, which is neutral and non-polar, with leucine, which is neutral and non-polar, at codon 1409 of the BLM protein (p.Phe1409Leu).